The following is an entry in ClinVar:

ClinVar aggregate classification (germline): Uncertain significance. Review status: criteria provided, multiple submitters, no conflicts (2 of 4 stars). 3 submissions from 3 submitters: Uncertain significance (2). 1 of the submissions does not count toward it. Last evaluated 2025-06-30.

Conditions:
Inborn genetic diseases. Identifiers: MedGen C0950123, MeSH D030342.
Argininosuccinate lyase deficiency. Also called: Argininosuccinic aciduria; ARGININOSUCCINIC ACID LYASE DEFICIENCY; ASL DEFICIENCY. Identifiers: Orphanet 23, MedGen C0268547, MONDO:0008815, OMIM 207900, HP:0025630.

Allele frequency attached by ClinVar (database versions not stated): gnomAD 0.00001; gnomAD exomes 0.00001; ExAC 0.00002; TOPMed 0.00006.
gnomAD v4.1: 17 of 1,613,936 alleles (0.0011%); highest among the groups gnomAD compares: Admixed American, 0.0083%; no homozygotes.

Submissions (3):

Ambry Genetics
Classification: Uncertain significance for Inborn genetic diseases. Last evaluated: 2025-06-30. Review status: criteria provided, single submitter. Criteria: Ambry Variant Classification Scheme 2023. Collection method: clinical testing. Allele origin: germline.

Labcorp Genetics (formerly Invitae), Labcorp
Classification: Uncertain significance for Argininosuccinate lyase deficiency. Last evaluated: 2022-07-03. Review status: criteria provided, single submitter. Criteria: Invitae Variant Classification Sherloc (09022015). Collection method: clinical testing. Allele origin: germline.
Comment: This sequence change replaces alanine, which is neutral and non-polar, with threonine, which is neutral and polar, at codon 26 of the ASL protein (p.Ala26Thr). This variant is present in population databases (rs775839623, gnomAD 0.0009%). This variant has not been reported in the literature in individuals affected with ASL-related conditions. ClinVar contains an entry for this variant (Variation ID: 990542). Advanced modeling of protein sequence and biophysical properties (such as structural, functional, and spatial information, amino acid conservation, physicochemical variation, residue mobility, and thermodynamic stability) performed at Invitae indicates that this missense variant is not expected to disrupt ASL protein function. In summary, the available evidence is currently insufficient to determine the role of this variant in disease. Therefore, it has been classified as a Variant of Uncertain Significance.

Natera, Inc.
Classification: Uncertain significance for Argininosuccinate lyase deficiency. Last evaluated: 2020-08-14. Review status: no assertion criteria provided. Collection method: clinical testing. Allele origin: germline. Not counted in ClinVar's aggregate classification.

NM_000048.4(ASL):c.76G>A (p.Ala26Thr)

Gene: ASL (argininosuccinate lyase; plus strand). Cytogenetic location: 7q11.21.
Variant type: single nucleotide variant.
Coding change: c.76G>A on transcript NM_000048.4 (MANE Select); coding-DNA position 76, G replaced by A.
Protein change: p.Ala26Thr; replaces alanine 26 with threonine.
Molecular consequence: missense variant.
Genome position (GRCh38, 1-based): chr7:66,081,866, G>A. VCF-style: chr7-66081866-G-A. GRCh37 (hg19) VCF-style: chr7-65546853-G-A.
Other names: c.76G>A, p.Ala26Thr (NM_001024943.2, NM_001024944.2, NM_001024946.2); c.76G>A (NM_000048.3); short protein forms A26T.
Identifiers: ClinVar variation 990542 (VCV000990542.4), dbSNP rs775839623, ClinGen allele CA4276820.